The following is an entry in ClinVar:

ClinVar aggregate classification (germline): Uncertain significance (1 of 4 stars; one submission).

Submission:

Labcorp Genetics (formerly Invitae), Labcorp
Classification: Uncertain significance. Last evaluated: 2025-04-16. Review status: criteria provided, single submitter. Criteria: Invitae Variant Classification Sherloc (09022015). Collection method: clinical testing. Allele origin: germline.
Comment: This sequence change replaces aspartic acid, which is acidic and polar, with glutamic acid, which is acidic and polar, at codon 550 of the GCKR protein (p.Asp550Glu). This variant is present in population databases (rs747512107, gnomAD 0.009%). This variant has not been reported in the literature in individuals affected with GCKR-related conditions. Invitae Evidence Modeling of protein sequence and biophysical properties (such as structural, functional, and spatial information, amino acid conservation, physicochemical variation, residue mobility, and thermodynamic stability) indicates that this missense variant is not expected to disrupt GCKR protein function with a negative predictive value of 80%. In summary, the available evidence is currently insufficient to determine the role of this variant in disease. Therefore, it has been classified as a Variant of Uncertain Significance.

NM_001486.4(GCKR):c.1650T>G (p.Asp550Glu)

Gene: GCKR (glucokinase regulator; plus strand). Cytogenetic location: 2p23.3.
Variant type: single nucleotide variant.
Coding change: c.1650T>G on transcript NM_001486.4 (MANE Select); coding-DNA position 1650, T replaced by G.
Protein change: p.Asp550Glu; replaces aspartic acid 550 with glutamic acid.
Molecular consequence: missense variant.
Genome position (GRCh38, 1-based): chr2:27,522,537, T>G. VCF-style: chr2-27522537-T-G. GRCh37 (hg19) VCF-style: chr2-27745404-T-G.
Other names: short protein forms D550E.
Identifiers: ClinVar variation 4707400 (VCV004707400.1).